The following is an entry in ClinVar:

ClinVar aggregate classification (germline): Pathogenic (1 of 4 stars; one submission).

Conditions:
Hereditary spastic paraplegia 49 (HSAN9). Also called: Spastic paraplegia 49, autosomal recessive; NEUROPATHY, HEREDITARY SENSORY AND AUTONOMIC, TYPE IX, WITH DEVELOPMENTAL DELAY; TECPR2-Related Hereditary Sensory and Autonomic Neuropathy with Intellectual Disability. Identifiers: Orphanet 320385, MedGen C5190860, MONDO:0014016, OMIM 615031.

Submission:

Labcorp Genetics (formerly Invitae), Labcorp
Classification: Pathogenic for Hereditary spastic paraplegia 49. Last evaluated: 2020-08-14. Review status: criteria provided, single submitter. Criteria: Invitae Variant Classification Sherloc (09022015). Collection method: clinical testing. Allele origin: germline.
Comment: This sequence change creates a premature translational stop signal (p.Ser293Hisfs*10) in the TECPR2 gene. It is expected to result in an absent or disrupted protein product. This variant is not present in population databases (ExAC no frequency). This variant has not been reported in the literature in individuals with TECPR2-related conditions. Loss-of-function variants in TECPR2 are known to be pathogenic (PMID: 23176824, 25590979). For these reasons, this variant has been classified as Pathogenic.

Literature cited by the submitters: PubMed 23176824; PubMed 25590979.

NM_014844.5(TECPR2):c.877del (p.Ser293fs)

Gene: TECPR2 (tectonin beta-propeller repeat containing 2; plus strand). Cytogenetic location: 14q32.31.
Variant type: Deletion.
Coding change: c.877del on transcript NM_014844.5 (MANE Select); coding-DNA position 877, one base deleted (T; older notation c.877delT).
Protein change: p.Ser293fs; shifts the reading frame from serine 293.
Molecular consequence: frameshift variant.
Genome position (GRCh38, 1-based): chr14:102,425,217, T deleted; the last of 3 consecutive T bases (chr14:102,425,215-102,425,217); deleting any one gives the same sequence. VCF-style (leftmost placement, unchanged base first): chr14-102425214-GT-G. GRCh37 (hg19) VCF-style: chr14-102891551-GT-G.
Other names: c.877del, p.Ser293fs (NM_001172631.3); short protein forms S293fs.
Identifiers: ClinVar variation 1072499 (VCV001072499.7), dbSNP rs2139716373, ClinGen allele CA2499222535.
Genomic context (GRCh38, chr14:102,425,214, plus strand): 5'-CCGCGTCTGGAATCCCCCAACAGTGGAAGTTGCAGCTTACCTGAGAGGCACCTGGGGCTT[GT>G]TTCATGTTTCTTTCAAGAAGGCTGGGTGCTGAGTTGGAATGAATATAGTATCTATCTCCT-3'